The following is an entry in ClinVar:

ClinVar aggregate classification (germline): Uncertain significance (1 of 4 stars; one submission).

Conditions:
Hereditary cancer-predisposing syndrome. Also called: Neoplastic Syndromes, Hereditary; Tumor predisposition; Hereditary Cancer Syndrome; Hereditary neoplastic syndrome. Identifiers: Orphanet 140162, MedGen C0027672, MeSH D009386, MONDO:0015356.

Submission:

Ambry Genetics
Classification: Uncertain significance for Hereditary cancer-predisposing syndrome. Last evaluated: 2023-07-05. Review status: criteria provided, single submitter. Criteria: Ambry Variant Classification Scheme 2023. Collection method: clinical testing. Allele origin: germline.
Comment: The p.S804P variant (also known as c.2410T>C), located in coding exon 5 of the PALB2 gene, results from a T to C substitution at nucleotide position 2410. The serine at codon 804 is replaced by proline, an amino acid with similar properties. This amino acid position is not well conserved in available vertebrate species. In addition, this alteration is predicted to be tolerated by in silico analysis. Since supporting evidence is limited at this time, the clinical significance of this alteration remains unclear.

NM_024675.4(PALB2):c.2410T>C (p.Ser804Pro)

Gene: PALB2 (partner and localizer of BRCA2; minus strand). Cytogenetic location: 16p12.2.
Variant type: single nucleotide variant.
Coding change: c.2410T>C on transcript NM_024675.4 (MANE Select); coding-DNA position 2410, T replaced by C.
Protein change: p.Ser804Pro; replaces serine 804 with proline.
Molecular consequence: missense variant.
Genome position (GRCh38, 1-based): chr16:23,629,744, A>G on the plus strand (T>C on the coding strand, the complement: PALB2 is on the minus strand). VCF-style: chr16-23629744-A-G. GRCh37 (hg19) VCF-style: chr16-23641065-A-G.
Other names: short protein forms S804P.
Identifiers: ClinVar variation 484225 (VCV000484225.6), dbSNP rs1555460347, ClinGen allele CA395124376.